The following is an entry in ClinVar:

ClinVar aggregate classification (germline): Pathogenic (1 of 4 stars; one submission).

Conditions:
Familial intrahepatic cholestasis. Identifiers: Orphanet 284385, MedGen CN296401, MONDO:0017290.

Submission:

Genomenon, Inc
Classification: Pathogenic for Familial intrahepatic cholestasis. Last evaluated: 2026-04-14. Review status: criteria provided, single submitter. Criteria: Genomenon Sequence Variant Interpretation Standards - Updated. Collection method: curation. Allele origin: germline. Affected: yes.
Comment: ABCB11 p.Ile245LeufsTer17 (c.732del) is a frameshift variant that results in the production of a truncated protein which is predicted to undergo nonsense-mediated mRNA decay. This variant has been observed in at least one proband with an ABCB11-related disorder (PMID:37471416). It is absent or not present at a significant frequency in gnomAD. In conclusion, we classify ABCB11 p.Ile245LeufsTer17 (c.732del) as a pathogenic variant.

Literature cited by the submitters: PubMed 37471416.

NM_003742.4(ABCB11):c.732del (p.Ile245fs)

Gene: ABCB11 (ATP binding cassette subfamily B member 11; minus strand). Cytogenetic location: 2q31.1.
Variant type: Deletion.
Coding change: c.732del on transcript NM_003742.4 (MANE Select); coding-DNA position 732, one base deleted (T; older notation c.732delT).
Protein change: p.Ile245fs; shifts the reading frame from isoleucine 245.
Molecular consequence: frameshift variant.
Genome position (GRCh38, 1-based): chr2:168,993,762, A deleted on the plus strand (T on the coding strand, the reverse complement: ABCB11 is on the minus strand); the first of 2 consecutive A bases (chr2:168,993,762-168,993,763); deleting either gives the same sequence. VCF-style (leftmost placement, unchanged base first): chr2-168993761-TA-T. GRCh37 (hg19) VCF-style: chr2-169850271-TA-T.
Other names: short protein forms I245fs.
Identifiers: ClinVar variation 4846053 (VCV004846053.1).
Genomic context (GRCh38, chr2:168,993,761, plus strand): 5'-ACATTCTTACCAGACCAATGGTGGCTGCTCCAATCCCAATGAGAGGGCTGACAGAAATAA[TA>T]ACCAAGGTCAGTTTCCAACCCCTGAAAAATCCCAACAGGAAACCACAGATGGTCGAGGTC-3'